The following is an entry in ClinVar:

ClinVar aggregate classification (germline): Uncertain significance (1 of 4 stars; one submission).

Submission:

GeneDx
Classification: Uncertain significance. Last evaluated: 2026-04-07. Review status: criteria provided, single submitter. Criteria: GeneDx Variant Classification Process June 2021. Collection method: clinical testing. Allele origin: germline.
Comment: Not observed at significant frequency in large population cohorts (gnomAD); In silico analysis suggests that this missense variant does not alter protein structure/function; Has not been previously published as pathogenic or benign to our knowledge

NM_138383.3(MTSS2):c.2126C>G (p.Thr709Ser)

Gene: MTSS2 (MTSS I-BAR domain containing 2; minus strand). Cytogenetic location: 16q22.1.
Variant type: single nucleotide variant.
Coding change: c.2126C>G on transcript NM_138383.3 (MANE Select); coding-DNA position 2126, C replaced by G.
Protein change: p.Thr709Ser; replaces threonine 709 with serine.
Molecular consequence: missense variant.
Genome position (GRCh38, 1-based): chr16:70,663,795, G>C on the plus strand (C>G on the coding strand, the complement: MTSS2 is on the minus strand). VCF-style: chr16-70663795-G-C. GRCh37 (hg19) VCF-style: chr16-70697698-G-C.
Other names: short protein forms T709S.
Identifiers: ClinVar variation 5018309 (VCV005018309.1).